The following is an entry in ClinVar:

NM_020297.4(ABCC9):c.2625T>A (p.Tyr875Ter)

Gene: ABCC9 (ATP binding cassette subfamily C member 9; minus strand). Cytogenetic location: 12p12.1.
Variant type: single nucleotide variant.
Coding change: c.2625T>A on transcript NM_020297.4 (MANE Select); coding-DNA position 2625, T replaced by A.
Protein change: p.Tyr875Ter; replaces tyrosine 875 with a stop codon.
Molecular consequence: nonsense.
Genome position (GRCh38, 1-based): chr12:21,852,386, A>T on the plus strand (T>A on the coding strand, the complement: ABCC9 is on the minus strand). VCF-style: chr12-21852386-A-T. GRCh37 (hg19) VCF-style: chr12-22005320-A-T.
Other names: c.2625T>A, p.Tyr875Ter (NM_001377273.1, NM_005691.4); c.1758T>A, p.Tyr586Ter (NM_001377274.1); short protein forms Y875*, Y586*.
Identifiers: ClinVar variation 2004320 (VCV002004320.4), dbSNP rs1471028467, ClinGen allele CA384124656.

ClinVar aggregate classification (germline): Pathogenic (1 of 4 stars; one submission).

Conditions:
Dilated cardiomyopathy 1O (CMD1O). Also called: CARDIOMYOPATHY, DILATED, WITH VENTRICULAR TACHYCARDIA. Identifiers: Orphanet 154, MedGen C1837839, MONDO:0012062, OMIM 608569.

Submission:

Labcorp Genetics (formerly Invitae), Labcorp
Classification: Pathogenic for Dilated cardiomyopathy 1O. Last evaluated: 2024-09-23. Review status: criteria provided, single submitter. Criteria: Invitae Variant Classification Sherloc (09022015). Collection method: clinical testing. Allele origin: germline.
Comment: This sequence change creates a premature translational stop signal (p.Tyr875*) in the ABCC9 gene. It is expected to result in an absent or disrupted protein product. Loss-of-function variants in ABCC9 are known to be pathogenic (PMID: 31575858, 38217872). This variant is not present in population databases (gnomAD no frequency). This variant has not been reported in the literature in individuals affected with ABCC9-related conditions. ClinVar contains an entry for this variant (Variation ID: 2004320). For these reasons, this variant has been classified as Pathogenic.

Literature cited by the submitters: PubMed 31575858; PubMed 38217872.